The following is an entry in ClinVar:

NM_002303.6(LEPR):c.141C>G (p.Phe47Leu)

Gene: LEPR (leptin receptor; plus strand). Cytogenetic location: 1p31.3.
Variant type: single nucleotide variant.
Coding change: c.141C>G on transcript NM_002303.6 (MANE Select); coding-DNA position 141, C replaced by G.
Protein change: p.Phe47Leu; replaces phenylalanine 47 with leucine.
Molecular consequence: missense variant.
Genome position (GRCh38, 1-based): chr1:65,570,573, C>G. VCF-style: chr1-65570573-C-G. GRCh37 (hg19) VCF-style: chr1-66036256-C-G.
Other names: c.141C>G, p.Phe47Leu (NM_001003679.3, NM_001003680.3, NM_001198687.2 and 2 more transcripts); short protein forms F47L.
Identifiers: ClinVar variation 4979397 (VCV004979397.1).

ClinVar aggregate classification (germline): Uncertain significance (1 of 4 stars; one submission).

Conditions:
LEPR-related disorder. Also called: LEPR-related condition; LEPR-related disorders.

gnomAD v4.1: 19 of 1,613,986 alleles (0.0012%); highest among the groups gnomAD compares: South Asian, 0.018%; 1 homozygote.

Submission:

PreventionGenetics, part of Exact Sciences
Classification: Uncertain significance for LEPR-related condition. Last evaluated: 2025-04-24. Review status: criteria provided, single submitter. Criteria: ACMG Guidelines, 2015. Collection method: clinical testing. Allele origin: germline.
Comment: The LEPR c.141C>G variant is predicted to result in the amino acid substitution p.Phe47Leu. To our knowledge, this variant has not been reported in the literature. This variant is reported in 0.020% of alleles in individuals of South Asian descent in gnomAD. At this time, the clinical significance of this variant is uncertain due to the absence of conclusive functional and genetic evidence.